The following is an entry in ClinVar:

NM_001128178.3(NPHP1):c.837G>A (p.Thr279=)

Gene: NPHP1 (nephrocystin 1; minus strand). Cytogenetic location: 2q13.
Variant type: single nucleotide variant.
Coding change: c.837G>A on transcript NM_001128178.3 (MANE Select); coding-DNA position 837, G replaced by A.
Protein change: p.Thr279=; no amino-acid change (threonine 279 retained).
Molecular consequence: synonymous variant.
Genome position (GRCh38, 1-based): chr2:110,163,070, C>T on the plus strand (G>A on the coding strand, the complement: NPHP1 is on the minus strand). VCF-style: chr2-110163070-C-T. GRCh37 (hg19) VCF-style: chr2-110920647-C-T.
Other names: c.1005G>A (NM_000272.3); c.1005G>A, p.Thr335= (NM_000272.5); c.648G>A, p.Thr216= (NM_001128179.3); c.834G>A, p.Thr278= (NM_001374256.1); c.837G>A, p.Thr279= (NM_001374257.1); c.1002G>A, p.Thr334= (NM_207181.4).
Identifiers: ClinVar variation 2995558 (VCV002995558.4), dbSNP rs1682462604, ClinGen allele CA427918714.

ClinVar aggregate classification (germline): Likely benign. Review status: criteria provided, multiple submitters, no conflicts (2 of 4 stars). 2 submissions from 2 submitters: Likely benign (2). Last evaluated 2025-04-14.

Conditions:
Nephronophthisis. Also called: Juvenile Nephronophthisis. Identifiers: Orphanet 655, MedGen C0687120, MONDO:0019005, HP:0000090.
NPHP1-related disorder. Also called: NPHP1-related condition; NPHP1-related disorders.

Allele frequency attached by ClinVar (database versions not stated): TOPMed 0.00001; gnomAD exomes below 0.00001; gnomAD 0.00001.

Submissions (2):

PreventionGenetics, part of Exact Sciences
Classification: Likely benign for NPHP1-related condition. Last evaluated: 2025-04-14. Review status: criteria provided, single submitter. Criteria: ACMG Guidelines, 2015. Collection method: clinical testing. Allele origin: germline.
Comment: This variant is classified as likely benign based on ACMG/AMP sequence variant interpretation guidelines (Richards et al. 2015 PMID: 25741868, with internal and published modifications).

Labcorp Genetics (formerly Invitae), Labcorp
Classification: Likely benign for Nephronophthisis. Last evaluated: 2023-04-22. Review status: criteria provided, single submitter. Criteria: Invitae Variant Classification Sherloc (09022015). Collection method: clinical testing. Allele origin: germline.